The following is an entry in ClinVar:

ClinVar aggregate classification (germline): Uncertain significance. Review status: criteria provided, multiple submitters, no conflicts (2 of 4 stars). 2 submissions from 2 submitters: Uncertain significance (2). Last evaluated 2023-09-10.

Conditions:
Familial cancer of breast. Also called: BREAST CANCER, FAMILIAL; Hereditary breast cancer; hereditary breast carcinoma. Identifiers: Orphanet 227535, MedGen C0346153, MONDO:0016419, OMIM 114480. Disease mechanism: loss of function.
Hereditary cancer-predisposing syndrome. Also called: Hereditary Cancer Syndrome; Neoplastic Syndromes, Hereditary; Tumor predisposition; Hereditary neoplastic syndrome. Identifiers: Orphanet 140162, MedGen C0027672, MeSH D009386, MONDO:0015356.

Submissions (2):

Labcorp Genetics (formerly Invitae), Labcorp
Classification: Uncertain significance for Familial cancer of breast. Last evaluated: 2023-09-10. Review status: criteria provided, single submitter. Criteria: Invitae Variant Classification Sherloc (09022015). Collection method: clinical testing. Allele origin: germline.
Comment: This sequence change replaces glycine, which is neutral and non-polar, with valine, which is neutral and non-polar, at codon 313 of the PALB2 protein (p.Gly313Val). This variant is not present in population databases (gnomAD no frequency). This variant has not been reported in the literature in individuals affected with PALB2-related conditions. ClinVar contains an entry for this variant (Variation ID: 481179). Advanced modeling of protein sequence and biophysical properties (such as structural, functional, and spatial information, amino acid conservation, physicochemical variation, residue mobility, and thermodynamic stability) has been performed at Invitae for this missense variant, however the output from this modeling did not meet the statistical confidence thresholds required to predict the impact of this variant on PALB2 protein function. In summary, the available evidence is currently insufficient to determine the role of this variant in disease. Therefore, it has been classified as a Variant of Uncertain Significance.

Ambry Genetics
Classification: Uncertain significance for Hereditary cancer-predisposing syndrome. Last evaluated: 2017-08-14. Review status: criteria provided, single submitter. Criteria: Ambry Variant Classification Scheme 2023. Collection method: clinical testing. Allele origin: germline.
Comment: The p.G313V variant (also known as c.938G>T), located in coding exon 4 of the PALB2 gene, results from a G to T substitution at nucleotide position 938. The glycine at codon 313 is replaced by valine, an amino acid with dissimilar properties. This amino acid position is poorly conserved in available vertebrate species. In addition, this alteration is predicted to be tolerated by in silico analysis. Since supporting evidence is limited at this time, the clinical significance of this alteration remains unclear.

NM_024675.4(PALB2):c.938G>T (p.Gly313Val)

Gene: PALB2 (partner and localizer of BRCA2; minus strand). Cytogenetic location: 16p12.2.
Variant type: single nucleotide variant.
Coding change: c.938G>T on transcript NM_024675.4 (MANE Select); coding-DNA position 938, G replaced by T.
Protein change: p.Gly313Val; replaces glycine 313 with valine.
Molecular consequence: missense variant.
Genome position (GRCh38, 1-based): chr16:23,635,608, C>A on the plus strand (G>T on the coding strand, the complement: PALB2 is on the minus strand). VCF-style: chr16-23635608-C-A. GRCh37 (hg19) VCF-style: chr16-23646929-C-A.
Other names: short protein forms G313V.
Identifiers: ClinVar variation 481179 (VCV000481179.8), dbSNP rs1555461531, ClinGen allele CA395135178.